The following is an entry in ClinVar:

NM_001365951.3(KIF1B):c.2515T>C (p.Tyr839His)

Gene: KIF1B (kinesin family member 1B; plus strand). Cytogenetic location: 1p36.22.
Variant type: single nucleotide variant.
Coding change: c.2515T>C on transcript NM_001365951.3 (MANE Select); coding-DNA position 2515, T replaced by C.
Protein change: p.Tyr839His; replaces tyrosine 839 with histidine.
Molecular consequence: missense variant.
Genome position (GRCh38, 1-based): chr1:10,324,040, T>C. VCF-style: chr1-10324040-T-C. GRCh37 (hg19) VCF-style: chr1-10384098-T-C.
Other names: c.2515T>C, p.Tyr839His (NM_001365952.1); c.2377T>C, p.Tyr793His (NM_015074.3); short protein forms Y793H, Y839H.
Identifiers: ClinVar variation 5023237 (VCV005023237.1).
Genomic context (GRCh38, chr1:10,324,040, plus strand): 5'-CCTTTCCCTCGCACAGTGGTAGCAGTAGAAGTCCAGGATTTGAAGAATGGAGCAACACAC[T>C]ATTGGTCTTTGGAGAAACTCAAGTATGAAAACATTCATAAAGGCTGGTTGTTTTATTTAG-3'
Protein context (NP_001352880.1, residues 829-849): VQDLKNGATH[Tyr839His]WSLEKLKQRL

ClinVar aggregate classification (germline): Uncertain significance (1 of 4 stars; one submission).

gnomAD v4.1: 1 of 1,614,168 alleles (0.000062%); highest among the groups gnomAD compares: Non-Finnish European, 0.000085%; no homozygotes.

Submission:

Ambry Genetics
Classification: Uncertain significance. Last evaluated: 2026-09-06. Review status: criteria provided, single submitter. Criteria: Ambry Variant Classification Scheme 2023. Collection method: clinical testing. Allele origin: germline.
Comment: The p.Y793H variant (also known as c.2377T>C), located in coding exon 22 of the KIF1B gene, results from a T to C substitution at nucleotide position 2377. The tyrosine at codon 793 is replaced by histidine, an amino acid with similar properties. This amino acid position is conserved. In addition, this alteration is predicted to be tolerated by in silico analysis. Based on the available evidence, the clinical significance of this variant remains unclear.